The following is an entry in ClinVar:

NM_000179.3(MSH6):c.1940T>A (p.Leu647Gln)

Gene: MSH6 (mutS homolog 6; plus strand). Cytogenetic location: 2p16.3.
Variant type: single nucleotide variant.
Coding change: c.1940T>A on transcript NM_000179.3 (MANE Select); coding-DNA position 1940, T replaced by A.
Protein change: p.Leu647Gln; replaces leucine 647 with glutamine.
Molecular consequence: missense variant.
Genome position (GRCh38, 1-based): chr2:47,799,923, T>A. VCF-style: chr2-47799923-T-A. GRCh37 (hg19) VCF-style: chr2-48027062-T-A.
Other names: c.1550T>A, p.Leu517Gln (NM_001281492.2); c.1034T>A, p.Leu345Gln (NM_001281493.2, NM_001281494.2); short protein forms L345Q, L647Q, L517Q.
Identifiers: ClinVar variation 921905 (VCV000921905.12), dbSNP rs1669396442, ClinGen allele CA346750456.

ClinVar aggregate classification (germline): Uncertain significance. Review status: criteria provided, multiple submitters, no conflicts (2 of 4 stars). 2 submissions from 2 submitters: Uncertain significance (2). Last evaluated 2024-03-06.

Conditions:
Hereditary nonpolyposis colorectal neoplasms. Identifiers: MedGen C0009405, MeSH D003123.
Hereditary cancer-predisposing syndrome. Also called: Neoplastic Syndromes, Hereditary; Tumor predisposition; Hereditary Cancer Syndrome; Hereditary neoplastic syndrome. Identifiers: Orphanet 140162, MedGen C0027672, MeSH D009386, MONDO:0015356.

Submissions (2):

Color Diagnostics, LLC DBA Color Health
Classification: Uncertain significance for Hereditary cancer-predisposing syndrome. Last evaluated: 2024-03-06. Review status: criteria provided, single submitter. Criteria: ACMG Guidelines, 2015. Collection method: clinical testing. Allele origin: germline.
Comment: This missense variant replaces leucine with glutamine at codon 647 of the MSH6 protein. Computational prediction suggests that this variant may not impact protein structure and function (internally defined REVEL score threshold <= 0.5, PMID: 27666373). To our knowledge, functional studies have not been reported for this variant. This variant has not been reported in individuals affected with hereditary cancer in the literature. This variant has not been identified in the general population by the Genome Aggregation Database (gnomAD). The available evidence is insufficient to determine the role of this variant in disease conclusively. Therefore, this variant is classified as a Variant of Uncertain Significance.

Labcorp Genetics (formerly Invitae), Labcorp
Classification: Uncertain significance for Hereditary nonpolyposis colorectal neoplasms. Last evaluated: 2020-12-31. Review status: criteria provided, single submitter. Criteria: Invitae Variant Classification Sherloc (09022015). Collection method: clinical testing. Allele origin: germline.
Comment: This variant has not been reported in the literature in individuals with MSH6-related conditions. ClinVar contains an entry for this variant (Variation ID: 921905). Advanced modeling of protein sequence and biophysical properties (such as structural, functional, and spatial information, amino acid conservation, physicochemical variation, residue mobility, and thermodynamic stability) performed at Invitae indicates that this missense variant is not expected to disrupt MSH6 protein function. In summary, the available evidence is currently insufficient to determine the role of this variant in disease. Therefore, it has been classified as a Variant of Uncertain Significance. This variant is not present in population databases (ExAC no frequency). This sequence change replaces leucine with glutamine at codon 647 of the MSH6 protein (p.Leu647Gln). The leucine residue is weakly conserved and there is a moderate physicochemical difference between leucine and glutamine.